The following is an entry in ClinVar:

NM_015450.3(POT1):c.340A>G (p.Ile114Val)

Gene: POT1 (protection of telomeres 1; minus strand). Cytogenetic location: 7q31.33.
Variant type: single nucleotide variant.
Coding change: c.340A>G on transcript NM_015450.3 (MANE Select); coding-DNA position 340, A replaced by G.
Protein change: p.Ile114Val; replaces isoleucine 114 with valine.
Molecular consequence: missense variant. On other transcripts: 5 prime UTR variant (1), non-coding transcript variant (3).
Genome position (GRCh38, 1-based): chr7:124,863,556, T>C on the plus strand (A>G on the coding strand, the complement: POT1 is on the minus strand). VCF-style: chr7-124863556-T-C. GRCh37 (hg19) VCF-style: chr7-124503610-T-C.
Other names: c.-54A>G (NM_001042594.2); short protein forms I114V.
Identifiers: ClinVar variation 486131 (VCV000486131.30), dbSNP rs146552802, ClinGen allele CA4465456.

ClinVar aggregate classification (germline): Conflicting classifications of pathogenicity. Review status: criteria provided, conflicting classifications (1 of 4 stars). 11 submissions from 11 submitters: Uncertain significance (2); Likely benign (6). 3 of the submissions do not count toward it. Last evaluated 2026-08-13.

Conditions:
Tumor predisposition syndrome 3 (TPDS3). Also called: Melanoma, cutaneous malignant, susceptibility to, 10; Glioma susceptibility 9; LONG TELOMERE SYNDROME, POT1-RELATED; POT1 Tumor Predisposition. Identifiers: Orphanet 618, MedGen C4014476, MONDO:0014368, OMIM 615848.
Hereditary cancer-predisposing syndrome. Also called: Tumor predisposition; Hereditary Cancer Syndrome; Neoplastic Syndromes, Hereditary; Hereditary neoplastic syndrome. Identifiers: Orphanet 140162, MedGen C0027672, MeSH D009386, MONDO:0015356.
POT1-related disorder. Also called: POT1-related condition.

Allele frequency attached by ClinVar (database versions not stated): gnomAD exomes 0.00007 and 0.00015; ExAC 0.00009; gnomAD 0.00025 and 0.00027; TOPMed 0.00028; ESP Exome Variant Server 0.00046.
gnomAD v4.1: 143 of 1,613,858 alleles (0.0089%); highest among the groups gnomAD compares: African/African-American, 0.12%; no homozygotes.

Submissions (11):

St. Jude Molecular Pathology, St. Jude Children's Research Hospital
Classification: Likely benign for Tumor predisposition syndrome 3. Last evaluated: 2026-08-13. Review status: criteria provided, single submitter. Criteria: St. Jude Assertion Criteria 2020. Collection method: clinical testing. Allele origin: germline.
Comment: The POT1 c.340A>G p.(Ile114Val) missense change has a maximum subpopulation frequency of 0.088% in gnomAD v2.1.1. This is higher than the expected frequency for a disease-associated variant. The in silico tool REVEL predicts a benign effect on protein function, but to our knowledge this prediction has not been confirmed by functional studies. To our knowledge, this variant has not been reported in individuals with POT1-associated conditions. In summary, this variant meets criteria to be classified as likely benign.

Labcorp Genetics (formerly Invitae), Labcorp
Classification: Likely benign for Tumor predisposition syndrome 3. Last evaluated: 2026-02-03. Review status: criteria provided, single submitter. Criteria: Invitae Variant Classification Sherloc (09022015). Collection method: clinical testing. Allele origin: germline.

Quest Diagnostics Nichols Institute San Juan Capistrano
Classification: Likely benign. Last evaluated: 2025-06-03. Review status: criteria provided, single submitter. Criteria: Quest Diagnostics criteria. Collection method: clinical testing. Allele origin: unknown.

Blueprint Genetics
Classification: Likely benign. Last evaluated: 2024-11-13. Review status: criteria provided, single submitter. Criteria: ACMG Guidelines, 2015. Collection method: clinical testing. Allele origin: germline.

Revvity Omics, Revvity
Classification: Uncertain significance. Last evaluated: 2023-05-31. Review status: criteria provided, single submitter. Criteria: ACMG Guidelines, 2015. Collection method: clinical testing. Allele origin: germline.

Sema4
Classification: Uncertain significance for Hereditary cancer-predisposing syndrome. Last evaluated: 2021-10-07. Review status: criteria provided, single submitter. Criteria: Sema4 Curation Guidelines. Collection method: curation. Allele origin: germline.
Comment: The POT1 c.340A>G (p.I114V) variant has not been reported in the literature to our knowledge. It was observed in 22/24964 chromosomes of the African/African American subpopulation, with no homozygotes, in the large and broad cohorts of the Genome Aggregation Database (PMID: 32461654). The variant has been reported in ClinVar (Variation ID: 486131). In silico tools suggest the impact of the variant on protein function is benign, though these predictions have not been confirmed by functional studies. The evidence is insufficient to meet ACMG/AMP criteria for classifying the variant as benign or pathogenic. Thus, the clinical significance of this variant is currently uncertain.

GeneDx
Classification: Likely benign. Last evaluated: 2019-04-24. Review status: criteria provided, single submitter. Criteria: GeneDx Variant Classification Process June 2021. Collection method: clinical testing. Allele origin: germline. Affected: yes.
Comment: Has not been previously published as pathogenic or benign to our knowledge

Ambry Genetics
Classification: Likely benign for Hereditary cancer-predisposing syndrome. Last evaluated: 2019-02-21. Review status: criteria provided, single submitter. Criteria: Ambry Variant Classification Scheme 2023. Collection method: clinical testing. Allele origin: germline.

PreventionGenetics, part of Exact Sciences
Classification: Likely benign for POT1-related condition. Last evaluated: 2020-01-08. Review status: no assertion criteria provided. Collection method: clinical testing. Allele origin: germline. Not counted in ClinVar's aggregate classification.
Comment: This variant is classified as likely benign based on ACMG/AMP sequence variant interpretation guidelines (Richards et al. 2015 PMID: 25741868, with internal and published modifications).

Genome Diagnostics Laboratory, Amsterdam University Medical Center
Classification: Likely benign. Review status: no assertion criteria provided. Collection method: clinical testing. Allele origin: germline. Affected: yes. Study: VKGL Data-share Consensus. Not counted in ClinVar's aggregate classification.

Laboratory of Diagnostic Genome Analysis, Leiden University Medical Center (LUMC)
Classification: Likely benign. Review status: no assertion criteria provided. Collection method: clinical testing. Allele origin: germline. Affected: yes. Study: VKGL Data-share Consensus. Not counted in ClinVar's aggregate classification.